The following is an entry in ClinVar:

NM_005343.4(HRAS):c.280C>T (p.His94Tyr)

Genes: LRRC56 (leucine rich repeat containing 56; plus strand), HRAS (HRas proto-oncogene, GTPase; minus strand). Cytogenetic location: 11p15.5.
Variant type: single nucleotide variant.
Coding change: c.280C>T on transcript NM_005343.4 (MANE Select); coding-DNA position 280, C replaced by T.
Protein change: p.His94Tyr; replaces histidine 94 with tyrosine.
Molecular consequence: missense variant. On other transcripts: 5 prime UTR variant (1).
Genome position (GRCh38, 1-based): chr11:533,776, G>A on the plus strand (C>T on the coding strand, the complement: HRAS is on the minus strand). VCF-style: chr11-533776-G-A. GRCh37 (hg19) VCF-style: chr11-533776-G-A.
Other names: c.280C>T, p.His94Tyr (NM_001130442.3, NM_176795.5); c.-40C>T (NM_001318054.2); short protein forms H94Y.
Identifiers: ClinVar variation 862852 (VCV000862852.8), dbSNP rs144718261, ClinGen allele CA5779376.

ClinVar aggregate classification (germline): Uncertain significance (1 of 4 stars; one submission).

Conditions:
Costello syndrome (CSTLO). Also called: FACIOCUTANEOSKELETAL SYNDROME; HRAS-Related Costello Syndrome; FCS SYNDROME. Identifiers: Orphanet 3071, MedGen C0587248, MONDO:0009026, OMIM 218040.

Allele frequency attached by ClinVar (database versions not stated): ExAC 0.00001; gnomAD exomes 0.00001 and 0.00002; TOPMed 0.00002; gnomAD 0.00003.
gnomAD v4.1: 10 of 1,613,196 alleles (0.00062%); highest among the groups gnomAD compares: African/African-American, 0.011%; no homozygotes.

Submission:

Labcorp Genetics (formerly Invitae), Labcorp
Classification: Uncertain significance for Costello syndrome. Last evaluated: 2025-03-09. Review status: criteria provided, single submitter. Criteria: Invitae Variant Classification Sherloc (09022015). Collection method: clinical testing. Allele origin: germline.
Comment: This sequence change replaces histidine, which is basic and polar, with tyrosine, which is neutral and polar, at codon 94 of the HRAS protein (p.His94Tyr). The frequency data for this variant in the population databases is considered unreliable, as metrics indicate poor data quality at this position in the gnomAD database. This variant has not been reported in the literature in individuals affected with HRAS-related conditions. ClinVar contains an entry for this variant (Variation ID: 862852). Invitae Evidence Modeling of protein sequence and biophysical properties (such as structural, functional, and spatial information, amino acid conservation, physicochemical variation, residue mobility, and thermodynamic stability) has been performed for this missense variant. However, the output from this modeling did not meet the statistical confidence thresholds required to predict the impact of this variant on HRAS protein function. In summary, the available evidence is currently insufficient to determine the role of this variant in disease. Therefore, it has been classified as a Variant of Uncertain Significance.